The following is an entry in ClinVar:

NM_007294.4(BRCA1):c.1501_1504del (p.Asn500_Lys501insTer)

Gene: BRCA1 (BRCA1 DNA repair associated; minus strand). Cytogenetic location: 17q21.31.
Variant type: Microsatellite.
Coding change: c.1501_1504del on transcript NM_007294.4 (MANE Select); coding-DNA positions 1501 to 1504, 4 bases deleted (AAAT; older notation c.1501_1504delAAAT).
Protein change: p.Asn500_Lys501insTer.
Molecular consequence: nonsense. On other transcripts: frameshift variant (1), intron variant (137).
Genome position (GRCh38, 1-based): chr17:43,094,027-43,094,030, ATTT deleted on the plus strand (AAAT on the coding strand, the reverse complement: BRCA1 is on the minus strand); deleting any 4 consecutive bases within chr17:43,094,027-43,094,034 gives the same sequence; the c. name uses the placement nearest the transcript's 3' end. VCF-style (leftmost placement, unchanged base first): chr17-43094026-AATTT-A. GRCh37 (hg19) VCF-style: chr17-41246043-AATTT-A.
Other names: 1616del4; c.1501_1504delAAAT (NM_007294.3); c.643+714_643+717del (NM_001408470.1, NM_001408464.1, NM_001408468.1 and 3 more transcripts); c.646+714_646+717del (NM_001408469.1, NM_001408453.1, NM_001408461.1 and 11 more transcripts); c.784+714_784+717del (NM_001408397.1, NM_001408401.1, NM_001408396.1 and 13 more transcripts); c.664+714_664+717del (NM_001408436.1, NM_001408444.1, NM_001408438.1 and 12 more transcripts); c.787+714_787+717del (NM_001407980.1, NM_001407993.1, NM_001407976.1 and 19 more transcripts); c.652+714_652+717del (NM_001408451.1); and 42 more.
Identifiers: ClinVar variation 254394 (VCV000254394.13), dbSNP rs80357632, ClinGen allele CA001003.

ClinVar aggregate classification (germline): Pathogenic. Review status: reviewed by expert panel (3 of 4 stars). 4 submissions from 4 submitters: Pathogenic (1). 3 of the submissions do not count toward it. Last evaluated 2016-09-08.

Conditions:
Hereditary cancer-predisposing syndrome. Also called: Hereditary Cancer Syndrome; Neoplastic Syndromes, Hereditary; Hereditary neoplastic syndrome; Tumor predisposition. Identifiers: Orphanet 140162, MedGen C0027672, MeSH D009386, MONDO:0015356.
Hereditary breast ovarian cancer syndrome. Also called: Hereditary breast and ovarian cancer syndrome (HBOC); Breast and ovarian cancer; Hereditary breast and ovarian cancer syndrome; Hereditary breast and ovarian cancer; BRCA1- and BRCA2-Associated Hereditary Breast and Ovarian Cancer; Hereditary breast and/or ovarian cancer syndrome. Identifiers: Orphanet 145, MedGen C0677776, MeSH D061325, MONDO:0003582. Disease mechanism: loss of function.
Breast-ovarian cancer, familial, susceptibility to, 1 (BROVCA1). Also called: BRCA1 Hereditary Breast and Ovarian Cancer; OVARIAN CANCER, SUSCEPTIBILITY TO. Identifiers: Orphanet 145, MedGen C2676676, MONDO:0011450, OMIM 604370. Disease mechanism: loss of function.

Submissions (4):

Evidence-based Network for the Interpretation of Germline Mutant Alleles (ENIGMA)
Classification: Pathogenic for Breast-ovarian cancer, familial, susceptibility to, 1. Last evaluated: 2016-09-08. Review status: reviewed by expert panel. Criteria: ENIGMA BRCA1/2 Classification Criteria (2015). Collection method: curation. Allele origin: germline.
Comment: Variant allele predicted to encode a truncated non-functional protein.

Color Diagnostics, LLC DBA Color Health
Classification: Pathogenic for Hereditary cancer-predisposing syndrome. Last evaluated: 2024-02-12. Review status: criteria provided, single submitter. Criteria: ACMG Guidelines, 2015. Collection method: clinical testing. Allele origin: germline. Not counted in ClinVar's aggregate classification.
Comment: This variant deletes 4 nucleotides in exon 10 of the BRCA1 gene, creating a frameshift and premature translation stop signal. This variant is expected to result in an absent or non-functional protein product. This variant has been reported in two individuals affected with breast cancer (PMID: 26187060, 30254378). This variant has not been identified in the general population by the Genome Aggregation Database (gnomAD). Loss of BRCA1 function is a known mechanism of disease. Based on the available evidence, this variant is classified as Pathogenic.

Labcorp Genetics (formerly Invitae), Labcorp
Classification: Pathogenic for Hereditary breast ovarian cancer syndrome. Last evaluated: 2021-06-11. Review status: criteria provided, single submitter. Criteria: Invitae Variant Classification Sherloc (09022015). Collection method: clinical testing. Allele origin: germline. Not counted in ClinVar's aggregate classification.
Comment: This variant has been observed in individual(s) with breast cancer (PMID: 26187060). ClinVar contains an entry for this variant (Variation ID: 254394). For these reasons, this variant has been classified as Pathogenic. This variant is not present in population databases (ExAC no frequency). This sequence change creates a premature translational stop signal (p.Lys501*) in the BRCA1 gene. It is expected to result in an absent or disrupted protein product. Loss-of-function variants in BRCA1 are known to be pathogenic (PMID: 20104584).

Breast Cancer Information Core (BIC) (BRCA1)
Classification: Pathogenic for Breast-ovarian cancer, familial 1. Last evaluated: 2002-05-29. Review status: no assertion criteria provided. Collection method: clinical testing. Allele origin: germline. Affected: yes. Observed: 1 variant allele. Not counted in ClinVar's aggregate classification.

Literature cited by the submitters: PubMed 26187060 (cited by Color Diagnostics, LLC DBA Color Health and Labcorp Genetics (formerly Invitae), Labcorp); PubMed 30254378 (cited by Color Diagnostics, LLC DBA Color Health); PubMed 20104584 (cited by Labcorp Genetics (formerly Invitae), Labcorp).